The following is an entry in ClinVar:

NM_000282.4(PCCA):c.1003_1012del (p.Val335fs)

Gene: PCCA (propionyl-CoA carboxylase subunit alpha; plus strand). Cytogenetic location: 13q32.3.
Variant type: Deletion.
Coding change: c.1003_1012del on transcript NM_000282.4 (MANE Select); coding-DNA positions 1003 to 1012, 10 bases deleted (GTGGAGTTCC; older notation c.1003_1012delGTGGAGTTCC).
Protein change: p.Val335fs; shifts the reading frame from valine 335.
Molecular consequence: frameshift variant. On other transcripts: non-coding transcript variant (5).
Genome position (GRCh38, 1-based): chr13:100,273,284-100,273,293, GTGGAGTTCC deleted; deleting any 10 consecutive bases within chr13:100,273,282-100,273,293 gives the same sequence; the c. name uses the placement nearest the transcript's 3' end. VCF-style (leftmost placement, unchanged base first): chr13-100273281-ACCGTGGAGTT-A. GRCh37 (hg19) VCF-style: chr13-100925535-ACCGTGGAGTT-A.
Other names: c.925_934del, p.Val309fs (NM_001127692.3, NM_001352607.2, NM_001352608.2); c.1003_1012del, p.Val335fs (NM_001178004.2, NM_001352605.2, NM_001352606.2 and 1 more transcripts); c.58_67del, p.Val20fs (NM_001352610.2, NM_001352611.2, NM_001352612.2); short protein forms V20fs, V309fs, V335fs.
Identifiers: ClinVar variation 2030448 (VCV002030448.4), dbSNP rs2547977587, ClinGen allele CA2580086999.

ClinVar aggregate classification (germline): Pathogenic (1 of 4 stars; one submission).

Conditions:
Propionic acidemia (PROP). Also called: GLYCINEMIA, KETOTIC; HYPERGLYCINEMIA WITH KETOACIDOSIS AND LEUKOPENIA; KETOTIC HYPERGLYCINEMIA. Identifiers: Orphanet 35, MedGen C0268579, MONDO:0011628, OMIM 606054, HP:0003571.

Submission:

Labcorp Genetics (formerly Invitae), Labcorp
Classification: Pathogenic for Propionic acidemia. Last evaluated: 2024-06-04. Review status: criteria provided, single submitter. Criteria: Invitae Variant Classification Sherloc (09022015). Collection method: clinical testing. Allele origin: germline.
Comment: This sequence change creates a premature translational stop signal (p.Val335Leufs*13) in the PCCA gene. It is expected to result in an absent or disrupted protein product. Loss-of-function variants in PCCA are known to be pathogenic (PMID: 15464417). This variant is not present in population databases (gnomAD no frequency). This variant has not been reported in the literature in individuals affected with PCCA-related conditions. ClinVar contains an entry for this variant (Variation ID: 2030448). For these reasons, this variant has been classified as Pathogenic.

Literature cited by the submitters: PubMed 15464417.